The following is an entry in ClinVar:

NM_000245.4(MET):c.3091A>G (p.Met1031Val)

Gene: MET (MET proto-oncogene, receptor tyrosine kinase; plus strand). Cytogenetic location: 7q31.2.
Variant type: single nucleotide variant.
Coding change: c.3091A>G on transcript NM_000245.4 (MANE Select); coding-DNA position 3091, A replaced by G.
Protein change: p.Met1031Val; replaces methionine 1031 with valine.
Molecular consequence: missense variant.
Genome position (GRCh38, 1-based): chr7:116,774,943, A>G. VCF-style: chr7-116774943-A-G. GRCh37 (hg19) VCF-style: chr7-116414997-A-G.
Other names: c.3145A>G (LRG_662t1); c.3145A>G, p.Met1049Val (NM_001127500.3); c.1801A>G, p.Met601Val (NM_001324402.2); short protein forms M1049V, M601V, M1031V.
Identifiers: ClinVar variation 659033 (VCV000659033.18), dbSNP rs45564937, ClinGen allele CA4448648.

ClinVar aggregate classification (germline): Conflicting classifications of pathogenicity. Review status: criteria provided, conflicting classifications (1 of 4 stars). 5 submissions from 5 submitters: Uncertain significance (3); Likely benign (1). 1 of the submissions does not count toward it. Last evaluated 2025-03-19.

Conditions:
Renal cell carcinoma. Identifiers: Orphanet 217071, MedGen C0007134, MeSH D002292, MONDO:0005086, HP:0005584.
Hereditary cancer-predisposing syndrome. Also called: Hereditary Cancer Syndrome; Hereditary neoplastic syndrome; Tumor predisposition; Neoplastic Syndromes, Hereditary. Identifiers: Orphanet 140162, MedGen C0027672, MeSH D009386, MONDO:0015356.
Papillary renal cell carcinoma type 1 (RCCP1). Also called: RENAL CELL CARCINOMA, PAPILLARY, 1, SOMATIC; Renal adenocarcinoma; Renal cell carcinoma 1; Renal cell carcinoma, somatic. Identifiers: Orphanet 47044, MedGen C1336839, OMIM 605074, HP:0011797.
Intellectual disability. Also called: intellectual disabilities; Intellectual developmental disorder; Intellectual functioning disability. Identifiers: MedGen C3714756, MeSH D008607, MONDO:0001071, HP:0001249.

Allele frequency attached by ClinVar (database versions not stated): TOPMed below 0.00001; ExAC 0.00001; gnomAD exomes 0.00001 and 0.00003.

Submissions (5):

Labcorp Genetics (formerly Invitae), Labcorp
Classification: Uncertain significance for Renal cell carcinoma. Last evaluated: 2025-03-19. Review status: criteria provided, single submitter. Criteria: Invitae Variant Classification Sherloc (09022015). Collection method: clinical testing. Allele origin: germline.
Comment: This sequence change replaces methionine, which is neutral and non-polar, with valine, which is neutral and non-polar, at codon 1049 of the MET protein (p.Met1049Val). This variant is present in population databases (rs45564937, gnomAD 0.003%). This variant has not been reported in the literature in individuals affected with MET-related conditions. ClinVar contains an entry for this variant (Variation ID: 659033). An algorithm developed to predict the effect of missense changes on protein structure and function (PolyPhen-2) suggests that this variant is likely to be tolerated. In summary, the available evidence is currently insufficient to determine the role of this variant in disease. Therefore, it has been classified as a Variant of Uncertain Significance.

Ambry Genetics
Classification: Likely benign for Hereditary cancer-predisposing syndrome. Last evaluated: 2024-08-20. Review status: criteria provided, single submitter. Criteria: Ambry Variant Classification Scheme 2023. Collection method: clinical testing. Allele origin: germline.

GeneDx
Classification: Uncertain significance. Last evaluated: 2022-10-13. Review status: criteria provided, single submitter. Criteria: GeneDx Variant Classification Process June 2021. Collection method: clinical testing. Allele origin: germline. Affected: yes.
Comment: Not observed at significant frequency in large population cohorts (gnomAD); In silico analysis supports that this missense variant does not alter protein structure/function; Has not been previously published as pathogenic or benign to our knowledge

Illumina Laboratory Services, Illumina
Classification: Uncertain significance for Papillary renal cell carcinoma type 1. Last evaluated: 2018-01-13. Review status: criteria provided, single submitter. Criteria: ICSL Variant Classification Criteria 13 December 2019. Collection method: clinical testing. Allele origin: germline.

Centre de Biologie Pathologie Génétique, Centre Hospitalier Universitaire de Lille
Classification: Likely benign for Intellectual disability. Last evaluated: 2019-01-01. Review status: no assertion criteria provided. Collection method: clinical testing. Allele origin: inherited. Affected: yes. Not counted in ClinVar's aggregate classification.